The following is an entry in ClinVar:

NM_015346.4(ZFYVE26):c.4600_4602delinsA (p.Cys1534fs)

Gene: ZFYVE26 (zinc finger FYVE-type containing 26; minus strand). Cytogenetic location: 14q24.1.
Variant type: Indel.
Coding change: c.4600_4602delinsA on transcript NM_015346.4 (MANE Select); coding-DNA positions 4600 to 4602, TGT replaced by A.
Protein change: p.Cys1534fs; shifts the reading frame from cysteine 1534.
Molecular consequence: frameshift variant.
Genome position (GRCh38, 1-based): chr14:67,780,313-67,780,315, ACA replaced by T on the plus strand (TGT replaced by A on the coding strand, the reverse complement: ZFYVE26 is on the minus strand). VCF-style: chr14-67780313-ACA-T. GRCh37 (hg19) VCF-style: chr14-68247030-ACA-T.
Other names: short protein forms C1534fs.
Identifiers: ClinVar variation 1726652 (VCV001726652.2), dbSNP rs2502797888, ClinGen allele CA2580088619.

ClinVar aggregate classification (germline): Likely pathogenic (1 of 4 stars; one submission).

Conditions:
Hereditary spastic paraplegia 15 (SPG15). Also called: SPASTIC PARAPLEGIA 15, AUTOSOMAL RECESSIVE; KJELLIN SYNDROME; SPASTIC PARAPLEGIA AND RETINAL DEGENERATION. Identifiers: Orphanet 100996, MedGen C1849128, MONDO:0010044, OMIM 270700.

Submission:

Myriad Genetics, Inc.
Classification: Likely pathogenic for Hereditary spastic paraplegia 15. Last evaluated: 2021-12-30. Review status: criteria provided, single submitter. Criteria: Myriad Women's Health Autosomal Recessive and X-Linked Classification Criteria (2021). Collection method: clinical testing. Allele origin: unknown.
Comment: NM_015346.3(ZFYVE26):c.4600_4602delTGTinsA(C1534Rfs*11) is expected to be pathogenic in the context of spastic paraplegia type 15. This variant is predicted to lead to an abnormal or absent protein product due to the creation of a premature termination codon in ZFYVE26, a gene where loss-of-function variants are known to be pathogenic. Please note: this variant was assessed in the context of healthy population screening.